The following is an entry in ClinVar:

ClinVar aggregate classification (germline): Likely benign. Review status: criteria provided, multiple submitters, no conflicts (2 of 4 stars). 3 submissions from 3 submitters: Likely benign (3). Last evaluated 2024-01-25.

Conditions:
Spastic paraplegia. Identifiers: MedGen C0037772, HP:0001258.

Allele frequency attached by ClinVar (database versions not stated): ExAC 0.00001; TOPMed 0.00002.
gnomAD v4.1: 19 of 1,613,774 alleles (0.0012%); highest among the groups gnomAD compares: East Asian, 0.0067%; no homozygotes.

Submissions (3):

Labcorp Genetics (formerly Invitae), Labcorp
Classification: Likely benign for Spastic paraplegia. Last evaluated: 2024-01-25. Review status: criteria provided, single submitter. Criteria: Invitae Variant Classification Sherloc (09022015). Collection method: clinical testing. Allele origin: germline.

CeGaT Center for Human Genetics Tuebingen
Classification: Likely benign. Last evaluated: 2022-10-01. Review status: criteria provided, single submitter. Criteria: CeGaT Center For Human Genetics Tuebingen Variant Classification Criteria Version 2. Collection method: clinical testing. Allele origin: germline. Affected: yes. Observed: 1 variant allele.
Comment: SACS: BP4, BP7

Athena Diagnostics
Classification: Likely benign. Last evaluated: 2019-02-11. Review status: criteria provided, single submitter. Criteria: Athena Diagnostics Criteria. Collection method: clinical testing. Allele origin: germline.

NM_014363.6(SACS):c.8451G>A (p.Thr2817=)

Gene: SACS (sacsin molecular chaperone; minus strand). Cytogenetic location: 13q12.12.
Variant type: single nucleotide variant.
Coding change: c.8451G>A on transcript NM_014363.6 (MANE Select); coding-DNA position 8451, G replaced by A.
Protein change: p.Thr2817=; no amino-acid change (threonine 2817 retained).
Molecular consequence: synonymous variant.
Genome position (GRCh38, 1-based): chr13:23,335,425, C>T on the plus strand (G>A on the coding strand, the complement: SACS is on the minus strand). VCF-style: chr13-23335425-C-T. GRCh37 (hg19) VCF-style: chr13-23909564-C-T.
Other names: c.8010G>A, p.Thr2670= (NM_001278055.2).
Identifiers: ClinVar variation 805305 (VCV000805305.33), dbSNP rs749291377, ClinGen allele CA6910759.
Genomic context (GRCh38, chr13:23,335,425, plus strand): 5'-TATGACACTTTTAGATACTTTCTCCATACTTGAAAAGCCTGATCTATTACAAATTAGCCA[C>T]GTAGTAAGATTTCCTTCAGAGTCCTCAGTATCCATAGTATAGGTTATTTGTTGAACTGGT-3'
Protein context (NP_055178.3, residues 2807-2827): DTEDSEGNLT[Thr2817=]WLICNRSGFS